The following is an entry in ClinVar:

ClinVar aggregate classification (germline): Uncertain significance (1 of 4 stars; one submission).

Conditions:
Hereditary cancer-predisposing syndrome. Also called: Tumor predisposition; Hereditary neoplastic syndrome; Hereditary Cancer Syndrome; Neoplastic Syndromes, Hereditary. Identifiers: Orphanet 140162, MedGen C0027672, MeSH D009386, MONDO:0015356.

gnomAD v4.1: 2 of 1,614,086 alleles (0.00012%); highest among the groups gnomAD compares: African/African-American, 0.0013%; no homozygotes.

Submission:

Ambry Genetics
Classification: Uncertain significance for Hereditary cancer-predisposing syndrome. Last evaluated: 2025-05-11. Review status: criteria provided, single submitter. Criteria: Ambry Variant Classification Scheme 2023. Collection method: clinical testing. Allele origin: germline.
Comment: The p.G72D variant (also known as c.215G>A), located in coding exon 2 of the PRKAR1A gene, results from a G to A substitution at nucleotide position 215. The glycine at codon 72 is replaced by aspartic acid, an amino acid with similar properties. This amino acid position is conserved. In addition, the in silico prediction for this alteration is inconclusive. Based on the available evidence, the clinical significance of this variant remains unclear.

NM_002734.5(PRKAR1A):c.215G>A (p.Gly72Asp)

Gene: PRKAR1A (protein kinase cAMP-dependent type I regulatory subunit alpha; plus strand). Cytogenetic location: 17q24.2.
Variant type: single nucleotide variant.
Coding change: c.215G>A on transcript NM_002734.5 (MANE Select); coding-DNA position 215, G replaced by A.
Protein change: p.Gly72Asp; replaces glycine 72 with aspartic acid.
Molecular consequence: missense variant.
Genome position (GRCh38, 1-based): chr17:68,522,793, G>A. VCF-style: chr17-68522793-G-A. GRCh37 (hg19) VCF-style: chr17-66518934-G-A.
Other names: c.215G>A, p.Gly72Asp (NM_212471.3, NM_212472.2, NM_001276289.2 and 4 more transcripts); short protein forms G72D.
Identifiers: ClinVar variation 3938083 (VCV003938083.1).